The following is an entry in ClinVar:

NM_000540.3(RYR1):c.7445A>G (p.Asp2482Gly)

Gene: RYR1 (ryanodine receptor 1; plus strand). Cytogenetic location: 19q13.2.
Variant type: single nucleotide variant.
Coding change: c.7445A>G on transcript NM_000540.3 (MANE Select); coding-DNA position 7445, A replaced by G.
Protein change: p.Asp2482Gly; replaces aspartic acid 2482 with glycine.
Molecular consequence: missense variant.
Genome position (GRCh38, 1-based): chr19:38,500,821, A>G. VCF-style: chr19-38500821-A-G. GRCh37 (hg19) VCF-style: chr19-38991461-A-G.
Other names: c.7445A>G, p.Asp2482Gly (NM_001042723.2); short protein forms D2482G.
Identifiers: ClinVar variation 2193412 (VCV002193412.3), dbSNP rs769958844, ClinGen allele CA069694.

ClinVar aggregate classification (germline): Uncertain significance. Review status: criteria provided, multiple submitters, no conflicts (2 of 4 stars). 3 submissions from 3 submitters: Uncertain significance (3). Last evaluated 2025-10-12.

Conditions:
RYR1-related disorder. Also called: RYR1-related disorders; RYR1-related condition. Identifiers: MedGen CN239331.
Inborn genetic diseases. Identifiers: MedGen C0950123, MeSH D030342.
Malignant hyperthermia, susceptibility to, 1 (MHS1). Also called: RYR1-Related Malignant Hyperthermia Susceptibility; Malignant hyperthermia suceptibility 1; Anesthesia related hyperthermia; Malignant hyperpyrexia; Fulminating hyperpyrexia; Pharmacogenic myopathy. Identifiers: Orphanet 423, MedGen C2930980, MONDO:0007783, OMIM 145600.

Allele frequency attached by ClinVar (database versions not stated): ExAC 0.00001; TOPMed 0.00001; gnomAD 0.00003.

Submissions (3):

Labcorp Genetics (formerly Invitae), Labcorp
Classification: Uncertain significance for RYR1-related disorder. Last evaluated: 2025-10-12. Review status: criteria provided, single submitter. Criteria: Invitae Variant Classification Sherloc (09022015). Collection method: clinical testing. Allele origin: germline.
Comment: This sequence change replaces aspartic acid, which is acidic and polar, with glycine, which is neutral and non-polar, at codon 2482 of the RYR1 protein (p.Asp2482Gly). This variant is present in population databases (rs769958844, gnomAD 0.008%). This variant has not been reported in the literature in individuals affected with RYR1-related conditions. ClinVar contains an entry for this variant (Variation ID: 2193412). An algorithm developed to predict the effect of missense changes on protein structure and function (PolyPhen-2) suggests that this variant is likely to be tolerated. In summary, the available evidence is currently insufficient to determine the role of this variant in disease. Therefore, it has been classified as a Variant of Uncertain Significance.

Ambry Genetics
Classification: Uncertain significance for Inborn genetic diseases. Last evaluated: 2025-07-02. Review status: criteria provided, single submitter. Criteria: Ambry Variant Classification Scheme 2023. Collection method: clinical testing. Allele origin: germline.

Color Diagnostics, LLC DBA Color Health
Classification: Uncertain significance for Malignant hyperthermia, susceptibility to, 1. Last evaluated: 2025-06-23. Review status: criteria provided, single submitter. Criteria: ACMG Guidelines, 2015. Collection method: clinical testing. Allele origin: germline.
Comment: This missense variant replaces aspartic acid with glycine at codon 2482 of the RYR1 protein. Computational prediction suggests that this variant may have deleterious impact on protein structure and function. To our knowledge, functional studies have not been reported for this variant. This variant has not been reported in individuals affected with RYR1-related disorders in the literature. This variant has been identified in 3/282574 chromosomes in the general population by the Genome Aggregation Database (gnomAD). The available evidence is insufficient to determine the role of this variant in disease conclusively. Therefore, this variant is classified as a Variant of Uncertain Significance.